The following is an entry in ClinVar:

NM_000350.3(ABCA4):c.6620A>C (p.Gln2207Pro)

Gene: ABCA4 (ATP binding cassette subfamily A member 4; minus strand). Cytogenetic location: 1p22.1.
Variant type: single nucleotide variant.
Coding change: c.6620A>C on transcript NM_000350.3 (MANE Select); coding-DNA position 6620, A replaced by C.
Protein change: p.Gln2207Pro; replaces glutamine 2207 with proline.
Molecular consequence: missense variant.
Genome position (GRCh38, 1-based): chr1:93,997,970, T>G on the plus strand (A>C on the coding strand, the complement: ABCA4 is on the minus strand). VCF-style: chr1-93997970-T-G. GRCh37 (hg19) VCF-style: chr1-94463526-T-G.
Other names: c.6398A>C, p.Gln2133Pro (NM_001425324.1); short protein forms Q2207P, Q2133P.
Identifiers: ClinVar variation 1347323 (VCV001347323.8), dbSNP rs565752959, ClinGen allele CA341276445.

ClinVar aggregate classification (germline): Uncertain significance (1 of 4 stars; one submission).

Submission:

Labcorp Genetics (formerly Invitae), Labcorp
Classification: Uncertain significance. Last evaluated: 2022-10-17. Review status: criteria provided, single submitter. Criteria: Invitae Variant Classification Sherloc (09022015). Collection method: clinical testing. Allele origin: germline.
Comment: In summary, the available evidence is currently insufficient to determine the role of this variant in disease. Therefore, it has been classified as a Variant of Uncertain Significance. Algorithms developed to predict the effect of sequence changes on RNA splicing suggest that this variant may create or strengthen a splice site. Advanced modeling of protein sequence and biophysical properties (such as structural, functional, and spatial information, amino acid conservation, physicochemical variation, residue mobility, and thermodynamic stability) performed at Invitae indicates that this missense variant is expected to disrupt ABCA4 protein function. ClinVar contains an entry for this variant (Variation ID: 1347323). This variant has not been reported in the literature in individuals affected with ABCA4-related conditions. This variant is not present in population databases (gnomAD no frequency). This sequence change replaces glutamine, which is neutral and polar, with proline, which is neutral and non-polar, at codon 2207 of the ABCA4 protein (p.Gln2207Pro).